The following is an entry in ClinVar:

NM_000488.4(SERPINC1):c.235C>T (p.Arg79Cys)

Gene: SERPINC1 (serpin family C member 1; minus strand). Cytogenetic location: 1q25.1.
Variant type: single nucleotide variant.
Coding change: c.235C>T on transcript NM_000488.4 (MANE Select); coding-DNA position 235, C replaced by T.
Protein change: p.Arg79Cys; replaces arginine 79 with cysteine.
Molecular consequence: missense variant.
Genome position (GRCh38, 1-based): chr1:173,914,726, G>A on the plus strand (C>T on the coding strand, the complement: SERPINC1 is on the minus strand). VCF-style: chr1-173914726-G-A. GRCh37 (hg19) VCF-style: chr1-173883864-G-A.
Other names: R47C; NM_000488.4(SERPINC1):c.235C>T; c.91C>T, p.Arg31Cys (NM_001365052.2); c.235C>T, p.Arg79Cys (NM_001386302.1, NM_001386304.1, NM_001386305.1 and 1 more transcripts); c.316C>T, p.Arg106Cys (NM_001386303.1); short protein forms R79C, R31C, R106C.
Identifiers: ClinVar variation 18004 (VCV000018004.19), dbSNP rs121909547, ClinGen allele CA210748.

ClinVar aggregate classification (germline): Pathogenic. Review status: reviewed by expert panel (3 of 4 stars). 9 submissions from 9 submitters: Pathogenic (1). 8 of the submissions do not count toward it. Last evaluated 2024-02-19.

Conditions:
Hereditary antithrombin deficiency (AT3D). Also called: Reduced antithrombin III activity; Antithrombin III deficiency; Thrombophilia due to antithrombin III deficiency; Antithrombin deficiency. Identifiers: Orphanet 82, MedGen C0272375, MONDO:0013144, OMIM 613118, HP:0001976.

Allele frequency attached by ClinVar (database versions not stated): gnomAD exomes 0.00005 and 0.00003; ExAC 0.00002; gnomAD 0.00005; TOPMed 0.00008.

Submissions (9):

Clingen Thrombosis Variant Curation Expert Panel, ClinGen
Classification: Pathogenic for Hereditary antithrombin deficiency. Last evaluated: 2024-02-19. Review status: reviewed by expert panel. Criteria: ClinGen ACMG Specifications SERPINC1 V1.0.0. Collection method: curation. Allele origin: germline. Inheritance: Autosomal dominant inheritance.
Comment: The c.235C>T (NM_000488.4) variant in SERPINC1 is a missense variant predicted to cause substitution of arginine by cysteine at amino acid 79 (p.Arg79Cys). This variant has been reported in at least 31 probands meeting an antithrombin activity level of <0.8 IU/mL and several more are reported in the literature (PS4_Very Strong; PMID:28300866). The variant has been reported to segregate with autosomal dominant hereditary antithrombin deficiency in 18 affected family meioses from 32 families (PP1_Strong; 28300866). One of 50 individuals within 45 families who had a mean AT activity of 53% and AT antigen level of 106%, which is highly specific for hereditary antithrombin deficiencies. The curators confirmed with lead author that most individuals AT levels were confirmed with at least two samples since this is not specified in the publication. The ClinGen Thrombosis VCEP members have agreed that all probands in this paper can be counted at full strength for PP4 (PP4_Supporting; PMID:28300866). The computational predictor REVEL gives a score of 0.743, which is above the threshold of 0.6, evidence that correlates with impact to SERPINC1 function (PP3). This variant resides within a region, Arg79, of SERPINC1 that would impact heparin binding site residues and is defined as a critical functional domain by the ClinGen Thrombosis VCEP (PMID:2615648; PM1). Another missense variant c.236G>A (p.Arg79His) (ClinVarID:18014) in the same codon has been classified as pathogenic for autosomal dominant hereditary antithrombin deficiency by the ClinGen Thrombosis VCEP (PM5). In summary, this variant meets the criteria to be classified as pathogenic for autosomal dominant hereditary antithrombin deficiency based on the ACMG/AMP criteria applied, as specified by the ClinGen Thrombosis VCEP: PP1, PS4_Very strong, PM1, PM5, PP3, PP4. (ClinGen Thrombosis Expert Panel Specifications to the ACMG/AMP Variant Interpretation Guidelines for SERPINC1 Version 1.0.0; date of approval)

Department of Precision Medicine, Korea National Institute of Health
Classification: Pathogenic for Hereditary antithrombin deficiency. Last evaluated: 2026-04-29. Review status: criteria provided, single submitter. Criteria: ACMG Guidelines, 2015. Collection method: research. Allele origin: biparental. Affected: yes. Observed: 1 variant allele. Not counted in ClinVar's aggregate classification.
Comment: PP5 (ClinVar classifies this variant as Pathogenic, 3 stars (reviewed Mar '26, 7 submissions of which 1 is from high confidence submitter), citing 11 articles, UniProt Variants classifies this variant as Pathogenic), PM5 (Alternative variant chr1:173914726 G⇒T (Arg79Ser) is classified Likely Pathogenic by Clinvar), PM2 (GnomAD genomes homozygous allele count = 0 is less than 2 for AD/AR gene SERPINC1), PP2 (126 out of 140 non-VUS missense variants in gene SERPINC1 are pathogenic = 90.0%), PP3 (MetaRNN = 0.84)

Labcorp Genetics (formerly Invitae), Labcorp
Classification: Pathogenic for Hereditary antithrombin deficiency. Last evaluated: 2025-05-27. Review status: criteria provided, single submitter. Criteria: Invitae Variant Classification Sherloc (09022015). Collection method: clinical testing. Allele origin: germline. Not counted in ClinVar's aggregate classification.
Comment: This sequence change replaces arginine, which is basic and polar, with cysteine, which is neutral and slightly polar, at codon 79 of the SERPINC1 protein (p.Arg79Cys). This variant is present in population databases (rs121909547, gnomAD 0.02%). This missense change has been observed in individuals with antithrombin III deficiency (PMID: 3960724, 6582486, 21325262, 24162787, 25837307, 28300866). It has also been observed to segregate with disease in related individuals. This variant is also known as R47C, Arg47Cys, Antithrombin III Toyama, Antithrombin III Alger, and Antithrombin III tours. ClinVar contains an entry for this variant (Variation ID: 18004). Invitae Evidence Modeling of protein sequence and biophysical properties (such as structural, functional, and spatial information, amino acid conservation, physicochemical variation, residue mobility, and thermodynamic stability) indicates that this missense variant is expected to disrupt SERPINC1 protein function with a positive predictive value of 95%. Experimental studies have shown that this missense change affects SERPINC1 function (PMID: 22498748, 27322195). This variant disrupts the p.Arg79 amino acid residue in SERPINC1. Other variant(s) that disrupt this residue have been determined to be pathogenic (PMID: 2615648, 3567355, 7981186, 21264449, 25837307, 26748602, 28607330, 29153735). This suggests that this residue is clinically significant, and that variants that disrupt this residue are likely to be disease-causing. For these reasons, this variant has been classified as Pathogenic.

Mayo Clinic Laboratories, Mayo Clinic
Classification: Pathogenic. Last evaluated: 2024-07-31. Review status: criteria provided, single submitter. Criteria: ACMG Guidelines, 2015. Collection method: clinical testing. Allele origin: germline. Observed: 1 variant allele. Not counted in ClinVar's aggregate classification.

3billion
Classification: Likely pathogenic for Hereditary antithrombin deficiency. Last evaluated: 2022-01-03. Review status: criteria provided, single submitter. Criteria: ACMG Guidelines, 2015. Collection method: clinical testing. Allele origin: germline. Affected: yes. Observed: 1 heterozygote. Not counted in ClinVar's aggregate classification.
Comment: Same nucleotide change resulting in same amino acid change has been previously reported as pathogenic/likely pathogenic with strong evidence (ClinVar ID: VCV000018004, PMID:6582486, PS1_S). A different missense change at the same codon has been reported to be associated with SERPINC1 related disorder (ClinVar ID: VCV000018015, PMID:2615648,3350974, PM5_P). In silico tool predictions suggest damaging effect of the variant on gene or gene product (REVEL: 0.743, PP3_P). A missense variant is a common mechanism associated with Thrombophilia due to antithrombin III deficiency (PP2_P). It is observed at an extremely low frequency in the gnomAD v2.1.1 dataset (total allele frequency: 0.000048, PM2_M). Therefore, this variant is classified as likely pathogenic according to the recommendation of ACMG/AMP guideline.

NIHR Bioresource Rare Diseases, University of Cambridge
Classification: Likely pathogenic for Hereditary antithrombin deficiency. Last evaluated: 2019-02-01. Review status: criteria provided, single submitter. Criteria: ACMG Guidelines, 2015. Collection method: research. Allele origin: unknown. Affected: yes. Observed: 1 heterozygote. Study: ThromboGenomics. Not counted in ClinVar's aggregate classification.

ISTH-SSC Genomics in Thrombosis and Hemostasis, KU Leuven, Center for Molecular and Vascular Biology
Classification: Likely pathogenic for Hereditary antithrombin deficiency. Review status: criteria provided, single submitter. Criteria: ACMG Guidelines, 2015. Collection method: clinical testing. Allele origin: germline. Affected: yes. Observed: 1 heterozygote. Not counted in ClinVar's aggregate classification.
Comment: Submitted to GoldVariant by Kathleen Freson, Center for Molecular and Vascular Biology, Leuven, Belgium

Juno Genomics, Hangzhou Juno Genomics, Inc
Classification: Pathogenic for Hereditary antithrombin deficiency. Review status: criteria provided, single submitter. Criteria: ACMG Guidelines, 2015. Collection method: clinical testing. Allele origin: germline. Not counted in ClinVar's aggregate classification.
Comment: The prevalence of the variant in affected individuals is significantly increased compared to the prevalence in controls.;Patient's phenotype or family history is highly specific for a disease with a single genetic etiology.;Co-segregation with disease in multiple affected family members.;Located in a mutational hot spot and/or critical and well-established functional domain without benign variation.;Multiple lines of computational evidence support a deleterious effect on the gene or gene product.;Novel missense change at an amino acid residue where a different missense change determined to be pathogenic has been seen before.

OMIM
Classification: Pathogenic for THROMBOPHILIA DUE TO ANTITHROMBIN III DEFICIENCY. Last evaluated: 1996-01-01. Review status: no assertion criteria provided. Collection method: literature only. Allele origin: germline. Not counted in ClinVar's aggregate classification.

Literature cited by the submitters: PubMed 2615648 (cited by 4 submitters); PubMed 3960724 (cited by 3 submitters); PubMed 6582486 (cited by 4 submitters); PubMed 21325262 (cited by Labcorp Genetics (formerly Invitae), Labcorp and Mayo Clinic Laboratories, Mayo Clinic); PubMed 24162787 (cited by Labcorp Genetics (formerly Invitae), Labcorp); PubMed 25837307 (cited by Labcorp Genetics (formerly Invitae), Labcorp and Mayo Clinic Laboratories, Mayo Clinic); PubMed 28300866 (cited by Labcorp Genetics (formerly Invitae), Labcorp and Mayo Clinic Laboratories, Mayo Clinic); PubMed 22498748 (cited by Labcorp Genetics (formerly Invitae), Labcorp and Mayo Clinic Laboratories, Mayo Clinic); PubMed 27322195 (cited by Labcorp Genetics (formerly Invitae), Labcorp); PubMed 3567355 (cited by Labcorp Genetics (formerly Invitae), Labcorp); PubMed 7981186 (cited by Labcorp Genetics (formerly Invitae), Labcorp); PubMed 21264449 (cited by Labcorp Genetics (formerly Invitae), Labcorp); PubMed 26748602 (cited by Labcorp Genetics (formerly Invitae), Labcorp); PubMed 28607330 (cited by Labcorp Genetics (formerly Invitae), Labcorp); PubMed 29153735 (cited by Labcorp Genetics (formerly Invitae), Labcorp); PubMed 11279641 (cited by Mayo Clinic Laboratories, Mayo Clinic); PubMed 14592998 (cited by Mayo Clinic Laboratories, Mayo Clinic); PubMed 22398878 (cited by Mayo Clinic Laboratories, Mayo Clinic); PubMed 25811371 (cited by Mayo Clinic Laboratories, Mayo Clinic); PubMed 26134363 (cited by Mayo Clinic Laboratories, Mayo Clinic); PubMed 27766527 (cited by Mayo Clinic Laboratories, Mayo Clinic); PubMed 31064749 (cited by Mayo Clinic Laboratories, Mayo Clinic and NIHR Bioresource Rare Diseases, University of Cambridge); PubMed 31885188 (cited by Mayo Clinic Laboratories, Mayo Clinic); PubMed 33477601 (cited by Mayo Clinic Laboratories, Mayo Clinic); PubMed 3563974 (cited by Mayo Clinic Laboratories, Mayo Clinic and OMIM); PubMed 35720094 (cited by Mayo Clinic Laboratories, Mayo Clinic); PubMed 3605071 (cited by Mayo Clinic Laboratories, Mayo Clinic and OMIM); PubMed 3715788 (cited by Mayo Clinic Laboratories, Mayo Clinic and OMIM); PubMed 37201530 (cited by Mayo Clinic Laboratories, Mayo Clinic); PubMed 37674759 (cited by Mayo Clinic Laboratories, Mayo Clinic); PubMed 6204398 (cited by Mayo Clinic Laboratories, Mayo Clinic and OMIM); PubMed 6636045 (cited by Mayo Clinic Laboratories, Mayo Clinic and OMIM); PubMed 8664906 (cited by Mayo Clinic Laboratories, Mayo Clinic); PubMed 7082587 (cited by OMIM); PubMed 6871478 (cited by OMIM); PubMed 3413737 (cited by OMIM); PubMed 3775688 (cited by OMIM).